The following is an entry in ClinVar:

NM_012469.4(PRPF6):c.1137C>T (p.Ala379=)

Gene: PRPF6 (pre-mRNA processing factor 6; plus strand). Cytogenetic location: 20q13.33.
Variant type: single nucleotide variant.
Coding change: c.1137C>T on transcript NM_012469.4 (MANE Select); coding-DNA position 1137, C replaced by T.
Protein change: p.Ala379=; no amino-acid change (alanine 379 retained).
Molecular consequence: synonymous variant.
Genome position (GRCh38, 1-based): chr20:64,001,190, C>T. VCF-style: chr20-64001190-C-T. GRCh37 (hg19) VCF-style: chr20-62632543-C-T.
Identifiers: ClinVar variation 738137 (VCV000738137.15), dbSNP rs149287029, ClinGen allele CA9972095.
Genomic context (GRCh38, chr20:64,001,190, plus strand): 5'-GGCCGTGGTAGCCCAAGCTGTCCGTCATCTCCCACAGTCTGTCAGGATTTACATCAGAGC[C>T]GCAGAGCTGGAAACGGACATTCGTGCAAAGAAGCGGGTTCTTCGGAAAGGTGAGCCTCCC-3'
Protein context (NP_036601.2, residues 369-389): LPQSVRIYIR[Ala379=]AELETDIRAK

ClinVar aggregate classification (germline): Benign/Likely benign. Review status: criteria provided, multiple submitters, no conflicts (2 of 4 stars). 3 submissions from 3 submitters: Benign (1); Likely benign (2). Last evaluated 2026-01-19.

Conditions:
Retinitis pigmentosa (RP). Identifiers: Orphanet 791, MedGen C0035334, MeSH D012174, MONDO:0019200, OMIM 268000. Inheritance: Autosomal dominant, autosomal recessive and X linked inheritance.

Allele frequency attached by ClinVar (database versions not stated): gnomAD exomes 0.00026; ExAC 0.00031; ESP Exome Variant Server 0.00092; 1000 Genomes Project 0.00100; gnomAD 0.00104 and 0.00111; TOPMed 0.00115; 1000 Genomes Project 30x 0.00125.
gnomAD v4.1: 299 of 1,614,214 alleles (0.019%); highest among the groups gnomAD compares: African/African-American, 0.35%; no homozygotes.

Submissions (3):

Labcorp Genetics (formerly Invitae), Labcorp
Classification: Benign. Last evaluated: 2026-01-19. Review status: criteria provided, single submitter. Criteria: Invitae Variant Classification Sherloc (09022015). Collection method: clinical testing. Allele origin: germline.

Blueprint Genetics
Classification: Likely benign. Last evaluated: 2023-12-14. Review status: criteria provided, single submitter. Criteria: ACMG Guidelines, 2015. Collection method: clinical testing. Allele origin: germline.

Illumina Laboratory Services, Illumina
Classification: Likely benign for Retinitis pigmentosa. Last evaluated: 2018-01-12. Review status: criteria provided, single submitter. Criteria: ICSL Variant Classification Criteria 13 December 2019. Collection method: clinical testing. Allele origin: germline.
Comment: This variant was observed in the ICSL laboratory as part of a predisposition screen in an ostensibly healthy population. It had not been previously curated by ICSL or reported in the Human Gene Mutation Database (HGMD: prior to June 1st, 2018), and was therefore a candidate for classification through an automated scoring system. Utilizing variant allele frequency, disease prevalence and penetrance estimates, and inheritance mode, an automated score was calculated to assess if this variant is too frequent to cause the disease. Based on the score and internal cut-off values, a variant classified as likely benign is not then subjected to further curation. The score for this variant resulted in a classification of likely benign for this disease.